The following is an entry in ClinVar:

ClinVar aggregate classification (germline): Uncertain significance (1 of 4 stars; one submission).

Submission:

Centre for Mendelian Genomics, University Medical Centre Ljubljana
Classification: Uncertain significance. Last evaluated: 2019-09-06. Review status: criteria provided, single submitter. Criteria: ACMG Guidelines, 2015. Collection method: clinical testing. Allele origin: unknown. Affected: yes.
Comment: This variant was classified as: Uncertain significance. The available evidence on this variant's pathogenicity is insufficient or conflicting. The following ACMG criteria were applied in classifying this variant: PM2,BP4.

NM_014846.4(WASHC5):c.712-9A>T

Gene: WASHC5 (WASH complex subunit 5; minus strand). Cytogenetic location: 8q24.13.
Variant type: single nucleotide variant.
Coding change: c.712-9A>T on transcript NM_014846.4 (MANE Select); 9 bases into the intron before coding-DNA position 712, A replaced by T.
Molecular consequence: intron variant.
Genome position (GRCh38, 1-based): chr8:125,076,509, T>A on the plus strand (A>T on the coding strand, the complement: WASHC5 is on the minus strand). VCF-style: chr8-125076509-T-A. GRCh37 (hg19) VCF-style: chr8-126088751-T-A.
Other names: c.268-9A>T (NM_001330609.2).
Identifiers: ClinVar variation 930737 (VCV000930737.3), dbSNP rs1817065747, ClinGen allele CA1139660760.